The following is an entry in ClinVar:

ClinVar aggregate classification (germline): Likely pathogenic (1 of 4 stars; one submission).

Conditions:
Duchenne muscular dystrophy (DMD). Also called: MUSCULAR DYSTROPHY, PSEUDOHYPERTROPHIC PROGRESSIVE, DUCHENNE TYPE; Duchenne Muscular Dystrophy (DMD). Identifiers: Orphanet 98896, MedGen C0013264, MONDO:0010679, OMIM 310200.

Submission:

Center for Human Genetics and Genomic Medicine, Uniklinik Rwth Aachen
Classification: Likely pathogenic for Duchenne muscular dystrophy. Last evaluated: 2026-07-27. Review status: criteria provided, single submitter. Criteria: ACMG Guidelines, 2015. Collection method: clinical testing. Allele origin: maternal. Inheritance: X-linked inheritance. Affected: yes. Observed: 1 variant allele, 1 hemizygote.
Comment: The variant is absent from large population studies (PM2_sup). bioinformatic prediction tools show high splicing prediction scores and indicate aberrant splicing (PP3_mod). The variant segregates with the disease in the family (PP1).

NM_004006.3(DMD):c.8027G>T (p.Arg2676Met)

Gene: DMD (dystrophin; minus strand). Cytogenetic location: Xp21.1.
Variant type: single nucleotide variant.
Coding change: c.8027G>T on transcript NM_004006.3 (MANE Select); coding-DNA position 8027, G replaced by T.
Protein change: p.Arg2676Met; replaces arginine 2676 with methionine.
Molecular consequence: missense variant.
Genome position (GRCh38, 1-based): chrX:31,657,990, C>A on the plus strand (G>T on the coding strand, the complement: DMD is on the minus strand). VCF-style: chrX-31657990-C-A. GRCh37 (hg19) VCF-style: chrX-31676107-C-A.
Other names: c.8003G>T, p.Arg2668Met (NM_000109.4); c.8015G>T, p.Arg2672Met (NM_004009.3); c.7658G>T, p.Arg2553Met (NM_004010.3); c.4004G>T, p.Arg1335Met (NM_004011.4); c.3995G>T, p.Arg1332Met (NM_004012.4); c.647G>T, p.Arg216Met (NM_004013.3, NM_004020.4, NM_004021.3 and 2 more transcripts); short protein forms R1332M, R1335M, R216M, R2553M, R2668M, R2672M, R2676M.
Identifiers: ClinVar variation 4884714 (VCV004884714.1).